The following is an entry in ClinVar:

NM_001009944.3(PKD1):c.272C>A (p.Ser91Ter)

Gene: PKD1 (polycystin 1, transient receptor potential channel interacting; minus strand). Cytogenetic location: 16p13.3.
Variant type: single nucleotide variant.
Coding change: c.272C>A on transcript NM_001009944.3 (MANE Select); coding-DNA position 272, C replaced by A.
Protein change: p.Ser91Ter; replaces serine 91 with a stop codon.
Molecular consequence: nonsense.
Genome position (GRCh38, 1-based): chr16:2,119,322, G>T on the plus strand (C>A on the coding strand, the complement: PKD1 is on the minus strand). VCF-style: chr16-2119322-G-T. GRCh37 (hg19) VCF-style: chr16-2169323-G-T.
Other names: c.272C>A, p.Ser91Ter (NM_000296.4); short protein forms S91*.
Identifiers: ClinVar variation 1179089 (VCV001179089.2), dbSNP rs1339097856, ClinGen allele CA394396164.

ClinVar aggregate classification (germline): Pathogenic (1 of 4 stars; one submission).

Conditions:
Polycystic kidney disease, adult type (PKD1). Also called: POLYCYSTIC KIDNEY DISEASE 1 WITH OR WITHOUT POLYCYSTIC LIVER DISEASE; POLYCYSTIC KIDNEY DISEASE, ADULT, TYPE I; Polycystic Kidney Disease 1, Autosomal Dominant; Polycystic kidney disease 1; Polycystic kidney disease 1, severe; Polycystic Kidney, Autosomal Dominant. Identifiers: MedGen C3149841, MONDO:0008263, OMIM 173900.

Submission:

Fulgent Genetics
Classification: Pathogenic for Polycystic kidney disease, adult type. Last evaluated: 2021-06-30. Review status: criteria provided, single submitter. Criteria: ACMG Guidelines, 2015. Collection method: clinical testing. Allele origin: unknown.
Comment: This variant has been detected in individual(s) who were sent for testing of Renasight - kidney gene panel.